The following is an entry in ClinVar:

ClinVar aggregate classification (germline): Benign (1 of 4 stars; one submission).

Conditions:
Familial adenomatous polyposis 1 (FAP1). Also called: POLYPOSIS, ADENOMATOUS INTESTINAL; FAMILIAL ADENOMATOUS POLYPOSIS 1, ATTENUATED. Identifiers: MedGen C2713442, MONDO:0021056, OMIM 175100. Disease mechanism: loss of function.

Submission:

Myriad Genetics, Inc.
Classification: Benign for Familial adenomatous polyposis 1. Last evaluated: 2024-03-21. Review status: criteria provided, single submitter. Criteria: Myriad Autosomal Dominant, Autosomal Recessive and X-Linked Classification Criteria (2023). Collection method: clinical testing. Allele origin: unknown.
Comment: This variant is considered benign. This variant is a silent/synonymous amino acid change and it is not expected to impact splicing.

NM_000038.6(APC):c.3474A>G (p.Arg1158=)

Gene: APC (APC regulator of Wnt signaling pathway; plus strand). Cytogenetic location: 5q22.2.
Variant type: single nucleotide variant.
Coding change: c.3474A>G on transcript NM_000038.6 (MANE Select); coding-DNA position 3474, A replaced by G.
Protein change: p.Arg1158=; no amino-acid change (arginine 1158 retained).
Molecular consequence: synonymous variant. On other transcripts: non-coding transcript variant (2).
Genome position (GRCh38, 1-based): chr5:112,839,068, A>G. VCF-style: chr5-112839068-A-G. GRCh37 (hg19) VCF-style: chr5-112174765-A-G.
Other names: c.3474A>G, p.Arg1158= (NM_001127510.3, NM_001354895.2, NM_001407450.1); c.3420A>G, p.Arg1140= (NM_001127511.3); c.3528A>G, p.Arg1176= (NM_001354896.2, NM_001407447.1, NM_001407448.1 and 1 more transcripts); c.3504A>G, p.Arg1168= (NM_001354897.2); c.3399A>G, p.Arg1133= (NM_001354898.2); c.3390A>G, p.Arg1130= (NM_001354899.2); c.3351A>G, p.Arg1117= (NM_001354900.2); c.3297A>G, p.Arg1099= (NM_001354901.2, NM_001407453.1); and 11 more.
Identifiers: ClinVar variation 3148103 (VCV003148103.1), dbSNP rs371597034, ClinGen allele CA445963965.